The following is an entry in ClinVar:

NM_000059.4(BRCA2):c.6600T>G (p.Phe2200Leu)

Gene: BRCA2 (BRCA2 DNA repair associated; plus strand). Cytogenetic location: 13q13.1.
Variant type: single nucleotide variant.
Coding change: c.6600T>G on transcript NM_000059.4 (MANE Select); coding-DNA position 6600, T replaced by G.
Protein change: p.Phe2200Leu; replaces phenylalanine 2200 with leucine.
Molecular consequence: missense variant.
Genome position (GRCh38, 1-based): chr13:32,340,955, T>G. VCF-style: chr13-32340955-T-G. GRCh37 (hg19) VCF-style: chr13-32915092-T-G.
Other names: short protein forms F2200L.
Identifiers: ClinVar variation 141064 (VCV000141064.7), dbSNP rs587781466, ClinGen allele CA024199.

ClinVar aggregate classification (germline): Conflicting classifications of pathogenicity. Review status: criteria provided, conflicting classifications (1 of 4 stars). 2 submissions from 2 submitters: Uncertain significance (1); Likely benign (1). Last evaluated 2023-03-23.

Conditions:
Hereditary cancer-predisposing syndrome. Also called: Neoplastic Syndromes, Hereditary; Tumor predisposition; Hereditary Cancer Syndrome; Hereditary neoplastic syndrome. Identifiers: Orphanet 140162, MedGen C0027672, MeSH D009386, MONDO:0015356.

Submissions (2):

University of Washington Department of Laboratory Medicine, University of Washington
Classification: Likely benign for Hereditary cancer-predisposing syndrome. Last evaluated: 2023-03-23. Review status: criteria provided, single submitter. Criteria: Dines et al. (Genet Med. 2020). Collection method: curation. Allele origin: germline.
Comment: Missense variant in a coldspot region where missense variants are very unlikely to be pathogenic (PMID:31911673).

BRCA2 exon 11 coldspot. Reclassification based on statistical prior probability.

Ambry Genetics
Classification: Uncertain significance for Hereditary cancer-predisposing syndrome. Last evaluated: 2022-12-19. Review status: criteria provided, single submitter. Criteria: Ambry Variant Classification Scheme 2023. Collection method: clinical testing. Allele origin: germline.
Comment: The p.F2200L variant (also known as c.6600T>G), located in coding exon 10 of the BRCA2 gene, results from a T to G substitution at nucleotide position 6600. The phenylalanine at codon 2200 is replaced by leucine, an amino acid with highly similar properties. This amino acid position is not well conserved in available vertebrate species. In addition, the in silico prediction for this alteration is inconclusive. Since supporting evidence is limited at this time, the clinical significance of this alteration remains unclear.